The following is an entry in ClinVar:

ClinVar aggregate classification (germline): Conflicting classifications of pathogenicity. Review status: criteria provided, conflicting classifications (1 of 4 stars). 3 submissions from 3 submitters: Uncertain significance (1); Likely benign (2). Last evaluated 2026-08-01.

Allele frequency attached by ClinVar (database versions not stated): gnomAD exomes 0.00002 and 0.00004; ExAC 0.00007; gnomAD 0.00012 and 0.00014; TOPMed 0.00014; ESP Exome Variant Server 0.00023.
gnomAD v4.1: 48 of 1,612,208 alleles (0.003%); highest among the groups gnomAD compares: African/African-American, 0.059%; no homozygotes.

Submissions (3):

CeGaT Center for Human Genetics Tuebingen
Classification: Likely benign. Last evaluated: 2026-08-01. Review status: criteria provided, single submitter. Criteria: CeGaT Center For Human Genetics Tuebingen Variant Classification Criteria Version 2. Collection method: clinical testing. Allele origin: germline. Affected: yes. Observed: 1 variant allele.
Comment: ASPM: BP4, BP7

Labcorp Genetics (formerly Invitae), Labcorp
Classification: Likely benign. Last evaluated: 2025-07-30. Review status: criteria provided, single submitter. Criteria: Invitae Variant Classification Sherloc (09022015). Collection method: clinical testing. Allele origin: germline.

Eurofins Ntd Llc (ga)
Classification: Uncertain significance. Last evaluated: 2018-01-12. Review status: criteria provided, single submitter. Criteria: EGL Classification Definitions 2015. Collection method: clinical testing. Allele origin: germline. Observed: 1 variant allele, 1 heterozygote.

NM_018136.5(ASPM):c.7569A>G (p.Gln2523=)

Gene: ASPM (assembly factor for spindle microtubules; minus strand). Cytogenetic location: 1q31.3.
Variant type: single nucleotide variant.
Coding change: c.7569A>G on transcript NM_018136.5 (MANE Select); coding-DNA position 7569, A replaced by G.
Protein change: p.Gln2523=; no amino-acid change (glutamine 2523 retained).
Molecular consequence: synonymous variant. On other transcripts: intron variant (1).
Genome position (GRCh38, 1-based): chr1:197,101,682, T>C on the plus strand (A>G on the coding strand, the complement: ASPM is on the minus strand). VCF-style: chr1-197101682-T-C. GRCh37 (hg19) VCF-style: chr1-197070812-T-C.
Other names: c.4066-5518A>G (NM_001206846.2).
Identifiers: ClinVar variation 284603 (VCV000284603.13), dbSNP rs148494695, ClinGen allele CA1309373.